The following is an entry in ClinVar:

NM_152564.5(VPS13B):c.11471C>T (p.Pro3824Leu)

Gene: VPS13B (vacuolar protein sorting 13 homolog B; plus strand). Cytogenetic location: 8q22.2.
Variant type: single nucleotide variant.
Coding change: c.11471C>T on transcript NM_152564.5 (MANE Select); coding-DNA position 11471, C replaced by T.
Protein change: p.Pro3824Leu; replaces proline 3824 with leucine.
Molecular consequence: missense variant.
Genome position (GRCh38, 1-based): chr8:99,870,863, C>T. VCF-style: chr8-99870863-C-T. GRCh37 (hg19) VCF-style: chr8-100883091-C-T.
Other names: c.11471C>T (NM_152564.4); c.11546C>T, p.Pro3849Leu (NM_017890.5); short protein forms P3824L, P3849L.
Identifiers: ClinVar variation 968808 (VCV000968808.5), dbSNP rs75996587, ClinGen allele CA371793706.

ClinVar aggregate classification (germline): Uncertain significance. Review status: criteria provided, single submitter (1 of 4 stars). 2 submissions from 2 submitters: Uncertain significance (1). 1 of the submissions does not count toward it. Last evaluated 2021-09-01.

Conditions:
VPS13B-related disorder. Also called: VPS13B-related condition.
Cohen syndrome (COH1). Also called: Cutis verticis gyrata, retinitis pigmentosa, and sensorineural deafness; PEPPER SYNDROME. Identifiers: Orphanet 193, MedGen C0265223, MONDO:0008999, OMIM 216550.

Allele frequency attached by ClinVar (database versions not stated): gnomAD exomes below 0.00001 and 0.00001; gnomAD 0.00001.
gnomAD v4.1: 8 of 1,614,168 alleles (0.0005%); highest among the groups gnomAD compares: Non-Finnish European, 0.00068%; no homozygotes.

Submissions (2):

Labcorp Genetics (formerly Invitae), Labcorp
Classification: Uncertain significance for Cohen syndrome. Last evaluated: 2021-09-01. Review status: criteria provided, single submitter. Criteria: Invitae Variant Classification Sherloc (09022015). Collection method: clinical testing. Allele origin: germline.

PreventionGenetics, part of Exact Sciences
Classification: Uncertain significance for VPS13B-related condition. Last evaluated: 2024-05-23. Review status: no assertion criteria provided. Collection method: clinical testing. Allele origin: germline. Not counted in ClinVar's aggregate classification.
Comment: The VPS13B c.11471C>T variant is predicted to result in the amino acid substitution p.Pro3824Leu. To our knowledge, this variant has not been reported in the literature. This variant is reported in 0.00088% of alleles in individuals of European (Non-Finnish) descent in gnomAD. At this time, the clinical significance of this variant is uncertain due to the absence of conclusive functional and genetic evidence.